The following is an entry in ClinVar:

ClinVar aggregate classification (germline): Likely benign. Review status: criteria provided, multiple submitters, no conflicts (2 of 4 stars). 3 submissions from 3 submitters: Likely benign (3). Last evaluated 2024-02-18.

Conditions:
Hypertrophic cardiomyopathy 1 (CMH1). Also called: MYH7-Related Familial Hypertrophic Cardiomyopathy; Familial hypertrophic cardiomyopathy 1. Identifiers: MedGen C3495498, MONDO:0008647, OMIM 192600.

Allele frequency attached by ClinVar (database versions not stated): ExAC 0.00005; TOPMed below 0.00001; gnomAD 0.00001; gnomAD exomes 0.00001.
gnomAD v4.1: 46 of 1,551,498 alleles (0.003%); highest among the groups gnomAD compares: Non-Finnish European, 0.004%; no homozygotes.

Submissions (3):

Labcorp Genetics (formerly Invitae), Labcorp
Classification: Likely benign for Hypertrophic cardiomyopathy 1. Last evaluated: 2024-02-18. Review status: criteria provided, single submitter. Criteria: Invitae Variant Classification Sherloc (09022015). Collection method: clinical testing. Allele origin: germline.

Ambry Genetics
Classification: Likely benign. Last evaluated: 2020-03-19. Review status: criteria provided, single submitter. Criteria: Ambry Variant Classification Scheme 2023. Collection method: clinical testing. Allele origin: germline.

Laboratory for Molecular Medicine, Mass General Brigham Personalized Medicine
Classification: Likely benign. Last evaluated: 2015-05-20. Review status: criteria provided, single submitter. Criteria: LMM Criteria. Collection method: clinical testing. Allele origin: germline. Observed: 1 variant allele.
Comment: p.Ala7Ala in exon 2 of MYLK2: This variant is not expected to have clinical sign ificance because it does not alter an amino acid residue and is not located with in the splice consensus sequence.

NM_033118.4(MYLK2):c.21A>G (p.Ala7=)

Gene: MYLK2 (myosin light chain kinase 2; plus strand). Cytogenetic location: 20q11.21.
Variant type: single nucleotide variant.
Coding change: c.21A>G on transcript NM_033118.4 (MANE Select); coding-DNA position 21, A replaced by G.
Protein change: p.Ala7=; no amino-acid change (alanine 7 retained).
Molecular consequence: synonymous variant.
Genome position (GRCh38, 1-based): chr20:31,819,601, A>G. VCF-style: chr20-31819601-A-G. GRCh37 (hg19) VCF-style: chr20-30407404-A-G.
Identifiers: ClinVar variation 227627 (VCV000227627.13), dbSNP rs754853086, ClinGen allele CA9802818.